The following is an entry in ClinVar:

ClinVar aggregate classification (germline): Uncertain significance (1 of 4 stars; one submission).

Conditions:
Familial cold autoinflammatory syndrome 2 (FCAS2). Identifiers: Orphanet 247868, MedGen C2673198, MONDO:0012724, OMIM 611762.

Submission:

Labcorp Genetics (formerly Invitae), Labcorp
Classification: Uncertain significance for Familial cold autoinflammatory syndrome 2. Last evaluated: 2017-07-13. Review status: criteria provided, single submitter. Criteria: Invitae Variant Classification Sherloc (09022015). Collection method: clinical testing. Allele origin: germline.
Comment: This variant has not been reported in the literature in individuals with NLRP12-related disease. In summary, the available evidence is currently insufficient to determine the role of this variant in disease. Therefore, it has been classified as a Variant of Uncertain Significance. Algorithms developed to predict the effect of missense changes on protein structure and function do not agree on the potential impact of this missense change (SIFT: "Deleterious"; PolyPhen-2: "Probably Damaging"; Align-GVGD: "Class C0"). This variant is not present in population databases (ExAC no frequency). This sequence change replaces glycine with arginine at codon 65 of the NLRP12 protein (p.Gly65Arg). The glycine residue is highly conserved and there is a moderate physicochemical difference between glycine and arginine.

NM_144687.4(NLRP12):c.193G>C (p.Gly65Arg)

Gene: NLRP12 (NLR family pyrin domain containing 12; minus strand). Cytogenetic location: 19q13.42.
Variant type: single nucleotide variant.
Coding change: c.193G>C on transcript NM_144687.4 (MANE Select); coding-DNA position 193, G replaced by C.
Protein change: p.Gly65Arg; replaces glycine 65 with arginine.
Molecular consequence: missense variant.
Genome position (GRCh38, 1-based): chr19:53,823,982, C>G on the plus strand (G>C on the coding strand, the complement: NLRP12 is on the minus strand). VCF-style: chr19-53823982-C-G. GRCh37 (hg19) VCF-style: chr19-54327236-C-G.
Other names: c.193G>C, p.Gly65Arg (NM_001277126.2, NM_001277129.1); short protein forms G65R.
Identifiers: ClinVar variation 469091 (VCV000469091.8), dbSNP rs376902606, ClinGen allele CA407419134.